The following is an entry in ClinVar:

NM_152295.5(TARS1):c.1927G>A (p.Asp643Asn)

Gene: TARS1 (threonyl-tRNA synthetase 1; plus strand). Cytogenetic location: 5p13.3.
Variant type: single nucleotide variant.
Coding change: c.1927G>A on transcript NM_152295.5 (MANE Select); coding-DNA position 1927, G replaced by A.
Protein change: p.Asp643Asn; replaces aspartic acid 643 with asparagine.
Molecular consequence: missense variant. On other transcripts: non-coding transcript variant (3).
Genome position (GRCh38, 1-based): chr5:33,466,889, G>A. VCF-style: chr5-33466889-G-A. GRCh37 (hg19) VCF-style: chr5-33466994-G-A.
Other names: c.1927G>A, p.Asp643Asn (NM_001258437.1); c.2026G>A, p.Asp676Asn (NM_001258438.2); c.1894G>A, p.Asp632Asn (NM_003191.1); c.1927G>A (NM_152295.3); short protein forms D632N, D643N, D676N.
Identifiers: ClinVar variation 3048199 (VCV003048199.3), dbSNP rs151055943, ClinGen allele CA3223559.
Genomic context (GRCh38, chr5:33,466,889, plus strand): 5'-CTGATTTTAGATCTGACAAATTCTGTATCTCTGTTACAATAGGTACGACAACAATTCCAC[G>A]ATGCCAAATTCATGGCAGACATTGATCTGGATCCAGGCTGTACATTGAATAAAAAGATTC-3'
Protein context (NP_689508.3, residues 633-653): YAQKVRQQFH[Asp643Asn]AKFMADIDLD

ClinVar aggregate classification (germline): Uncertain significance. Review status: criteria provided, single submitter (1 of 4 stars). 2 submissions from 2 submitters: Uncertain significance (1). 1 of the submissions does not count toward it. Last evaluated 2022-10-03.

Conditions:
TARS1-related disorder. Also called: TARS1-related condition.

Allele frequency attached by ClinVar (database versions not stated): TOPMed 0.00034; ESP Exome Variant Server 0.00015; gnomAD 0.00025; ExAC 0.00031.
gnomAD v4.1: 329 of 1,596,476 alleles (0.021%); highest among the groups gnomAD compares: Admixed American, 0.097%; 2 homozygotes.

Submissions (2):

Ambry Genetics
Classification: Uncertain significance. Last evaluated: 2022-10-03. Review status: criteria provided, single submitter. Criteria: Ambry Variant Classification Scheme 2023. Collection method: clinical testing. Allele origin: germline.

PreventionGenetics, part of Exact Sciences
Classification: Likely benign for TARS1-related condition. Last evaluated: 2019-11-16. Review status: no assertion criteria provided. Collection method: clinical testing. Allele origin: germline. Not counted in ClinVar's aggregate classification.
Comment: This variant is classified as likely benign based on ACMG/AMP sequence variant interpretation guidelines (Richards et al. 2015 PMID: 25741868, with internal and published modifications).